The following is an entry in ClinVar:

NM_194318.4(B3GLCT):c.463T>C (p.Trp155Arg)

Gene: B3GLCT (beta 3-glucosyltransferase; plus strand). Cytogenetic location: 13q12.3.
Variant type: single nucleotide variant.
Coding change: c.463T>C on transcript NM_194318.4 (MANE Select); coding-DNA position 463, T replaced by C.
Protein change: p.Trp155Arg; replaces tryptophan 155 with arginine.
Molecular consequence: missense variant.
Genome position (GRCh38, 1-based): chr13:31,260,949, T>C. VCF-style: chr13-31260949-T-C. GRCh37 (hg19) VCF-style: chr13-31835086-T-C.
Other names: short protein forms W155R.
Identifiers: ClinVar variation 1801044 (VCV001801044.1), dbSNP rs772799456, ClinGen allele CA6936611.

ClinVar aggregate classification (germline): Uncertain significance (1 of 4 stars; one submission).

Allele frequency attached by ClinVar (database versions not stated): gnomAD exomes below 0.00001; TOPMed 0.00001; ExAC 0.00002.
gnomAD v4.1: 3 of 1,613,574 alleles (0.00019%); highest among the groups gnomAD compares: Non-Finnish European, 0.00025%; no homozygotes.

Submission:

GeneDx
Classification: Uncertain significance. Last evaluated: 2022-05-25. Review status: criteria provided, single submitter. Criteria: GeneDx Variant Classification Process June 2021. Collection method: clinical testing. Allele origin: germline. Affected: yes.
Comment: Not observed at significant frequency in large population cohorts (gnomAD); In silico analysis supports that this missense variant has a deleterious effect on protein structure/function; Has not been previously published as pathogenic or benign to our knowledge